The following is an entry in ClinVar:

ClinVar aggregate classification (germline): Uncertain significance (1 of 4 stars; one submission).

Allele frequency attached by ClinVar (database versions not stated): TOPMed below 0.00001.

Submission:

Quest Diagnostics Nichols Institute San Juan Capistrano
Classification: Uncertain significance. Last evaluated: 2024-02-16. Review status: criteria provided, single submitter. Criteria: Quest Diagnostics criteria. Collection method: clinical testing. Allele origin: unknown.
Comment: The HBA2 c.*46C>A variant (also known as +46C>A) has been described to be associated with alpha(+) thalassemia (ITHANET). This variant has been reported in the heterozygous state in an individual with anemia (PMID: 19373587 (2009)). It has also been reported to occur in the -alpha3.7 fusion gene with symptoms ranging from mild microcytic anemia (PMID 25370869 (2014), 24018802 (2013)) to HbH disease (PMID 23668236 (2013)). This variant has not been reported in large, multi-ethnic general populations. Based on the available information, we are unable to determine the clinical significance of this variant.

Literature cited by the submitters: PubMed 31434698; PubMed 19373587; PubMed 24018802; PubMed 23668236; PubMed 25370869.

NM_000517.6(HBA2):c.*46C>A

Genes: HBA2 (hemoglobin subunit alpha 2; plus strand), LOC106804612 (hemoglobin subunit alpha 2 recombination region; plus strand). Cytogenetic location: 16p13.3.
Variant type: single nucleotide variant.
Coding change: c.*46C>A on transcript NM_000517.6 (MANE Select); 46 bases downstream of the stop codon, C replaced by A.
Molecular consequence: 3 prime UTR variant.
Genome position (GRCh38, 1-based): chr16:173,646, C>A. VCF-style: chr16-173646-C-A. GRCh37 (hg19) VCF-style: chr16-223645-C-A.
Identifiers: ClinVar variation 439109 (VCV000439109.4), dbSNP rs765451128, ClinGen allele CA645509204.